The following is an entry in ClinVar:

ClinVar aggregate classification (germline): Conflicting classifications of pathogenicity. Review status: criteria provided, conflicting classifications (1 of 4 stars). 3 submissions from 3 submitters: Uncertain significance (2); Likely benign (1). Last evaluated 2025-12-24.

Conditions:
Inborn genetic diseases. Identifiers: MedGen C0950123, MeSH D030342.
Palmoplantar keratoderma-esophageal carcinoma syndrome (TOC). Also called: Tylosis with Esophageal Cancer; PALMOPLANTAR KERATODERMA WITH ESOPHAGEAL CANCER; KERATOSIS PALMARIS ET PLANTARIS WITH ESOPHAGEAL CANCER. Identifiers: Orphanet 2198, MedGen C1835664, MONDO:0007856, OMIM 148500.

Allele frequency attached by ClinVar (database versions not stated): ExAC 0.00003; gnomAD exomes 0.00005 and 0.00017; gnomAD 0.00011; TOPMed 0.00013; ESP Exome Variant Server 0.00015.

Submissions (3):

Labcorp Genetics (formerly Invitae), Labcorp
Classification: Uncertain significance. Last evaluated: 2025-12-24. Review status: criteria provided, single submitter. Criteria: Invitae Variant Classification Sherloc (09022015). Collection method: clinical testing. Allele origin: germline.
Comment: This sequence change replaces serine, which is neutral and polar, with leucine, which is neutral and non-polar, at codon 256 of the RHBDF2 protein (p.Ser256Leu). This variant is present in population databases (rs143672318, gnomAD 0.009%). This variant has not been reported in the literature in individuals affected with RHBDF2-related conditions. ClinVar contains an entry for this variant (Variation ID: 325451). An algorithm developed to predict the effect of missense changes on protein structure and function (PolyPhen-2) suggests that this variant is likely to be disruptive. In summary, the available evidence is currently insufficient to determine the role of this variant in disease. Therefore, it has been classified as a Variant of Uncertain Significance.

Ambry Genetics
Classification: Uncertain significance for Inborn genetic diseases. Last evaluated: 2024-10-20. Review status: criteria provided, single submitter. Criteria: Ambry Variant Classification Scheme 2023. Collection method: clinical testing. Allele origin: germline.

Illumina Laboratory Services, Illumina
Classification: Likely benign for Palmoplantar keratoderma-esophageal carcinoma syndrome. Last evaluated: 2018-01-12. Review status: criteria provided, single submitter. Criteria: ICSL Variant Classification Criteria 13 December 2019. Collection method: clinical testing. Allele origin: germline.
Comment: This variant was observed in the ICSL laboratory as part of a predisposition screen in an ostensibly healthy population. It had not been previously curated by ICSL or reported in the Human Gene Mutation Database (HGMD: prior to June 1st, 2018), and was therefore a candidate for classification through an automated scoring system. Utilizing variant allele frequency, disease prevalence and penetrance estimates, and inheritance mode, an automated score was calculated to assess if this variant is too frequent to cause the disease. Based on the score and internal cut-off values, a variant classified as likely benign is not then subjected to further curation. The score for this variant resulted in a classification of likely benign for this disease.

NM_001005498.4(RHBDF2):c.680C>T (p.Ser227Leu)

Gene: RHBDF2 (rhomboid 5 homolog 2; minus strand). Cytogenetic location: 17q25.1.
Variant type: single nucleotide variant.
Coding change: c.680C>T on transcript NM_001005498.4 (MANE Select); coding-DNA position 680, C replaced by T.
Protein change: p.Ser227Leu; replaces serine 227 with leucine.
Molecular consequence: missense variant. On other transcripts: non-coding transcript variant (3).
Genome position (GRCh38, 1-based): chr17:76,477,778, G>A on the plus strand (C>T on the coding strand, the complement: RHBDF2 is on the minus strand). VCF-style: chr17-76477778-G-A. GRCh37 (hg19) VCF-style: chr17-74473860-G-A.
Other names: c.767C>T, p.Ser256Leu (NM_024599.5); c.680C>T, p.Ser227Leu (NM_001376228.1, NM_001376229.1, NM_001376230.1); short protein forms S256L, S227L.
Identifiers: ClinVar variation 325451 (VCV000325451.9), dbSNP rs143672318, ClinGen allele CA8787263.